The following is an entry in ClinVar:

NM_177438.3(DICER1):c.3785C>A (p.Pro1262His)

Gene: DICER1 (dicer 1, ribonuclease III; minus strand). Cytogenetic location: 14q32.13.
Variant type: single nucleotide variant.
Coding change: c.3785C>A on transcript NM_177438.3 (MANE Select); coding-DNA position 3785, C replaced by A.
Protein change: p.Pro1262His; replaces proline 1262 with histidine.
Molecular consequence: missense variant.
Genome position (GRCh38, 1-based): chr14:95,103,611, G>T on the plus strand (C>A on the coding strand, the complement: DICER1 is on the minus strand). VCF-style: chr14-95103611-G-T. GRCh37 (hg19) VCF-style: chr14-95569948-G-T.
Other names: c.3785C>A, p.Pro1262His (NM_001195573.1, NM_001271282.3, NM_001291628.2 and 1 more transcripts); short protein forms P1262H.
Identifiers: ClinVar variation 824205 (VCV000824205.13), dbSNP rs1595364864, ClinGen allele CA390873477.
Genomic context (GRCh38, chr14:95,103,611, plus strand): 5'-GAAGGGCTCTGCTCAGAATCCATCCTGCCCTTGAGCACTTGAATAGTGTCTGTCGTACCA[G>T]GCATTACGGCCATCACAGGACTTCCATCTGAGGTAGATTTGTTAGCATTTCCATCAAGGT-3'
Protein context (NP_803187.1, residues 1252-1272): SDGSPVMAVM[Pro1262His]GTTDTIQVLK

ClinVar aggregate classification (germline): Uncertain significance. Review status: criteria provided, multiple submitters, no conflicts (2 of 4 stars). 2 submissions from 2 submitters: Uncertain significance (2). Last evaluated 2020-12-23.

Conditions:
Hereditary cancer-predisposing syndrome. Also called: Neoplastic Syndromes, Hereditary; Hereditary Cancer Syndrome; Hereditary neoplastic syndrome; Tumor predisposition. Identifiers: Orphanet 140162, MedGen C0027672, MeSH D009386, MONDO:0015356.
DICER1-related tumor predisposition. Also called: DICER1-related pleuropulmonary blastoma cancer predisposition syndrome; DICER1 syndrome. Identifiers: Orphanet 284343, MedGen C3839822, MONDO:0100216.

gnomAD v4.1: 2 of 1,614,164 alleles (0.00012%); highest among the groups gnomAD compares: Non-Finnish European, 0.00017%; no homozygotes.

Submissions (2):

Labcorp Genetics (formerly Invitae), Labcorp
Classification: Uncertain significance for DICER1-related tumor predisposition. Last evaluated: 2020-12-23. Review status: criteria provided, single submitter. Criteria: Invitae Variant Classification Sherloc (09022015). Collection method: clinical testing. Allele origin: germline.
Comment: In summary, the available evidence is currently insufficient to determine the role of this variant in disease. Therefore, it has been classified as a Variant of Uncertain Significance. This variant has not been reported in the literature in individuals with DICER1-related conditions. ClinVar contains an entry for this variant (Variation ID: 824205). Algorithms developed to predict the effect of missense changes on protein structure and function (SIFT, PolyPhen-2, Align-GVGD) all suggest that this variant is likely to be tolerated, but these predictions have not been confirmed by published functional studies and their clinical significance is uncertain. This variant is not present in population databases (ExAC no frequency). This sequence change replaces proline with histidine at codon 1262 of the DICER1 protein (p.Pro1262His). The proline residue is weakly conserved and there is a moderate physicochemical difference between proline and histidine.

Ambry Genetics
Classification: Uncertain significance for Hereditary cancer-predisposing syndrome. Last evaluated: 2019-01-11. Review status: criteria provided, single submitter. Criteria: Ambry Variant Classification Scheme 2023. Collection method: clinical testing. Allele origin: germline.
Comment: The p.P1262H variant (also known as c.3785C>A), located in coding exon 20 of the DICER1 gene, results from a C to A substitution at nucleotide position 3785. The proline at codon 1262 is replaced by histidine, an amino acid with similar properties. This amino acid position is not well conserved in available vertebrate species. In addition, this alteration is predicted to be tolerated by in silico analysis. Since supporting evidence is limited at this time, the clinical significance of this alteration remains unclear.